The following is an entry in ClinVar:

NM_004380.3(CREBBP):c.6268C>A (p.Leu2090Ile)

Gene: CREBBP (CREB binding lysine acetyltransferase; minus strand). Cytogenetic location: 16p13.3.
Variant type: single nucleotide variant.
Coding change: c.6268C>A on transcript NM_004380.3 (MANE Select); coding-DNA position 6268, C replaced by A.
Protein change: p.Leu2090Ile; replaces leucine 2090 with isoleucine.
Molecular consequence: missense variant.
Genome position (GRCh38, 1-based): chr16:3,728,779, G>T on the plus strand (C>A on the coding strand, the complement: CREBBP is on the minus strand). VCF-style: chr16-3728779-G-T. GRCh37 (hg19) VCF-style: chr16-3778780-G-T.
Other names: c.6154C>A, p.Leu2052Ile (NM_001079846.1); short protein forms L2090I, L2052I.
Identifiers: ClinVar variation 4747488 (VCV004747488.1).
Genomic context (GRCh38, chr16:3,728,779, plus strand): 5'-CCACGTACTTGGCTGTGCGCTGTTTGATGAAAGCTGCCATTAGCTGCGGGTTTGATTTGA[G>T]AATGTTCAGCACCTGCTGTTGCTGCTGAGGGGAGCTGGGCGACTTCAGGGTCCGCAGCAG-3'
Protein context (NP_004371.2, residues 2080-2100): PQQQQQVLNI[Leu2090Ile]KSNPQLMAAF

ClinVar aggregate classification (germline): Uncertain significance (1 of 4 stars; one submission).

Conditions:
Rubinstein-Taybi syndrome (RSTS). Identifiers: Orphanet 783, MedGen C0035934, MONDO:0019188.

Submission:

Labcorp Genetics (formerly Invitae), Labcorp
Classification: Uncertain significance for Rubinstein-Taybi syndrome. Last evaluated: 2025-06-11. Review status: criteria provided, single submitter. Criteria: Invitae Variant Classification Sherloc (09022015). Collection method: clinical testing. Allele origin: germline.
Comment: This sequence change replaces leucine, which is neutral and non-polar, with isoleucine, which is neutral and non-polar, at codon 2090 of the CREBBP protein (p.Leu2090Ile). This variant is not present in population databases (gnomAD no frequency). This variant has not been reported in the literature in individuals affected with CREBBP-related conditions. Invitae Evidence Modeling of protein sequence and biophysical properties (such as structural, functional, and spatial information, amino acid conservation, physicochemical variation, residue mobility, and thermodynamic stability) indicates that this missense variant is expected to disrupt CREBBP protein function with a positive predictive value of 80%. In summary, the available evidence is currently insufficient to determine the role of this variant in disease. Therefore, it has been classified as a Variant of Uncertain Significance.